The following is an entry in ClinVar:

ClinVar aggregate classification (germline): Conflicting classifications of pathogenicity. Review status: criteria provided, conflicting classifications (1 of 4 stars). 3 submissions from 3 submitters: Uncertain significance (1); Likely benign (2). Last evaluated 2025-05-03.

Conditions:
Hereditary cancer-predisposing syndrome. Also called: Hereditary neoplastic syndrome; Hereditary Cancer Syndrome; Neoplastic Syndromes, Hereditary; Tumor predisposition. Identifiers: Orphanet 140162, MedGen C0027672, MeSH D009386, MONDO:0015356.

Allele frequency attached by ClinVar (database versions not stated): gnomAD exomes below 0.00001; ExAC 0.00001.

Submissions (3):

Ambry Genetics
Classification: Likely benign for Hereditary cancer-predisposing syndrome. Last evaluated: 2025-05-03. Review status: criteria provided, single submitter. Criteria: Ambry Variant Classification Scheme 2023. Collection method: clinical testing. Allele origin: germline.

Labcorp Genetics (formerly Invitae), Labcorp
Classification: Uncertain significance. Last evaluated: 2025-03-19. Review status: criteria provided, single submitter. Criteria: Invitae Variant Classification Sherloc (09022015). Collection method: clinical testing. Allele origin: germline.
Comment: This sequence change replaces alanine, which is neutral and non-polar, with threonine, which is neutral and polar, at codon 2180 of the POLE protein (p.Ala2180Thr). This variant is present in population databases (rs780748348, gnomAD 0.0009%). This variant has not been reported in the literature in individuals affected with POLE-related conditions. ClinVar contains an entry for this variant (Variation ID: 939814). An algorithm developed to predict the effect of missense changes on protein structure and function outputs the following: PolyPhen-2: "Benign". The threonine amino acid residue is found in multiple mammalian species, which suggests that this missense change does not adversely affect protein function. In summary, the available evidence is currently insufficient to determine the role of this variant in disease. Therefore, it has been classified as a Variant of Uncertain Significance.

Blueprint Genetics
Classification: Likely benign. Last evaluated: 2023-03-15. Review status: criteria provided, single submitter. Criteria: ACMG Guidelines, 2015. Collection method: clinical testing. Allele origin: germline.

NM_006231.4(POLE):c.6538G>A (p.Ala2180Thr)

Gene: POLE (DNA polymerase epsilon, catalytic subunit; minus strand). Cytogenetic location: 12q24.33.
Variant type: single nucleotide variant.
Coding change: c.6538G>A on transcript NM_006231.4 (MANE Select); coding-DNA position 6538, G replaced by A.
Protein change: p.Ala2180Thr; replaces alanine 2180 with threonine.
Molecular consequence: missense variant.
Genome position (GRCh38, 1-based): chr12:132,625,764, C>T on the plus strand (G>A on the coding strand, the complement: POLE is on the minus strand). VCF-style: chr12-132625764-C-T. GRCh37 (hg19) VCF-style: chr12-133202350-C-T.
Other names: short protein forms A2180T.
Identifiers: ClinVar variation 939814 (VCV000939814.14), dbSNP rs780748348, ClinGen allele CA6892132.